The following is an entry in ClinVar:

NM_003748.4(ALDH4A1):c.*35C>T

Gene: ALDH4A1 (aldehyde dehydrogenase 4 family member A1; minus strand). Cytogenetic location: 1p36.13.
Variant type: single nucleotide variant.
Coding change: c.*35C>T on transcript NM_003748.4 (MANE Select); 35 bases downstream of the stop codon, C replaced by T.
Molecular consequence: 3 prime UTR variant.
Genome position (GRCh38, 1-based): chr1:18,872,810, G>A on the plus strand (C>T on the coding strand, the complement: ALDH4A1 is on the minus strand). VCF-style: chr1-18872810-G-A. GRCh37 (hg19) VCF-style: chr1-19199304-G-A.
Other names: c.*35C>T (NM_001161504.2, NM_001319218.2, NM_170726.3).
Identifiers: ClinVar variation 294360 (VCV000294360.6), dbSNP rs2230710, ClinGen allele CA646773.
Genomic context (GRCh38, chr1:18,872,810, plus strand): 5'-CATGAAGAAGGGGTGGAGGGGCTGGAGTGGGGTCTGTGCAGTGAGGTCGGCCACCTGGAC[G>A]GACAGACAGCTGGACGGTGGAGCCCGAGAGGGGCTCACTGCATGTACGCGTAGCTCCAGT-3'

ClinVar aggregate classification (germline): Likely benign. Review status: criteria provided, multiple submitters, no conflicts (2 of 4 stars). 2 submissions from 2 submitters: Likely benign (2). Last evaluated 2018-01-13.

Conditions:
Hyperprolinemia type 2 (HYRPRO2). Also called: 1-PYRROLINE-5-CARBOXYLATE DEHYDROGENASE DEFICIENCY; Deficiency of pyrroline-5-carboxylate reductase; Delta-1-pyrroline-5-carboxylate dehydrogenase deficiency. Identifiers: Orphanet 79101, MedGen C2931835, MONDO:0009401, OMIM 239510.

Allele frequency attached by ClinVar (database versions not stated): 1000 Genomes Project 0.01637; 1000 Genomes Project 30x 0.01765; TOPMed 0.02109; gnomAD 0.02193 and 0.02254; ESP Exome Variant Server 0.02430; gnomAD exomes 0.02727 and 0.03106; ExAC 0.02798.
gnomAD v4.1: 47,535 of 1,572,528 alleles (3%); highest among the groups gnomAD compares: South Asian, 5.1%; 878 homozygotes.

Submissions (2):

Illumina Laboratory Services, Illumina
Classification: Likely benign for Hyperprolinemia type 2. Last evaluated: 2018-01-13. Review status: criteria provided, single submitter. Criteria: ICSL Variant Classification Criteria 13 December 2019. Collection method: clinical testing. Allele origin: germline.
Comment: This variant was observed in the ICSL laboratory as part of a predisposition screen in an ostensibly healthy population. It had not been previously curated by ICSL or reported in the Human Gene Mutation Database (HGMD: prior to June 1st, 2018), and was therefore a candidate for classification through an automated scoring system. Utilizing variant allele frequency, disease prevalence and penetrance estimates, and inheritance mode, an automated score was calculated to assess if this variant is too frequent to cause the disease. Based on the score and internal cut-off values, a variant classified as likely benign is not then subjected to further curation. The score for this variant resulted in a classification of likely benign for this disease.

Breakthrough Genomics
Classification: Likely benign. Review status: criteria provided, single submitter. Criteria: ACMG Guidelines, 2015. Collection method: not provided. Allele origin: germline. Inheritance: Autosomal recessive inheritance. Affected: yes.